The following is an entry in ClinVar:

ClinVar aggregate classification (germline): Uncertain significance (1 of 4 stars; one submission).

Conditions:
Cardiovascular phenotype. Identifiers: MedGen CN230736.

Allele frequency attached by ClinVar (database versions not stated): TOPMed below 0.00001.

Submission:

Ambry Genetics
Classification: Uncertain significance for Cardiovascular phenotype. Last evaluated: 2019-09-09. Review status: criteria provided, single submitter. Criteria: Ambry Variant Classification Scheme 2023. Collection method: clinical testing. Allele origin: germline.
Comment: The p.S1280N variant (also known as c.3839G>A), located in coding exon 19 of the MYPN gene, results from a G to A substitution at nucleotide position 3839. The serine at codon 1280 is replaced by asparagine, an amino acid with highly similar properties. This amino acid position is not well conserved in available vertebrate species. In addition, this alteration is predicted to be tolerated by in silico analysis. Since supporting evidence is limited at this time, the clinical significance of this alteration remains unclear.

NM_032578.4(MYPN):c.3839G>A (p.Ser1280Asn)

Gene: MYPN (myopalladin; plus strand). Cytogenetic location: 10q21.3.
Variant type: single nucleotide variant.
Coding change: c.3839G>A on transcript NM_032578.4 (MANE Select); coding-DNA position 3839, G replaced by A.
Protein change: p.Ser1280Asn; replaces serine 1280 with asparagine.
Molecular consequence: missense variant. On other transcripts: non-coding transcript variant (2).
Genome position (GRCh38, 1-based): chr10:68,210,331, G>A. VCF-style: chr10-68210331-G-A. GRCh37 (hg19) VCF-style: chr10-69970088-G-A.
Other names: c.3839G>A, p.Ser1280Asn (NM_001256267.2); c.2957G>A, p.Ser986Asn (NM_001256268.2); short protein forms S986N, S1280N.
Identifiers: ClinVar variation 1735403 (VCV001735403.2), dbSNP rs903967189, ClinGen allele CA208195157.